The following is an entry in ClinVar:

ClinVar aggregate classification (germline): Likely benign. Review status: criteria provided, multiple submitters, no conflicts (2 of 4 stars). 3 submissions from 3 submitters: Likely benign (2). 1 of the submissions does not count toward it. Last evaluated 2025-10-04.

Conditions:
PKD1L1-related disorder. Also called: PKD1L1-related condition.

Allele frequency attached by ClinVar (database versions not stated): TOPMed 0.00007; 1000 Genomes Project 30x 0.00016; ExAC 0.00019; 1000 Genomes Project 0.00020; ESP Exome Variant Server 0.00031.
gnomAD v4.1: 163 of 1,613,930 alleles (0.01%); highest among the groups gnomAD compares: South Asian, 0.054%; no homozygotes.

Submissions (3):

Labcorp Genetics (formerly Invitae), Labcorp
Classification: Likely benign. Last evaluated: 2025-10-04. Review status: criteria provided, single submitter. Criteria: Invitae Variant Classification Sherloc (09022015). Collection method: clinical testing. Allele origin: germline.

Blueprint Genetics
Classification: Likely benign. Last evaluated: 2024-06-21. Review status: criteria provided, single submitter. Criteria: ACMG Guidelines, 2015. Collection method: clinical testing. Allele origin: germline.

PreventionGenetics, part of Exact Sciences
Classification: Likely benign for PKD1L1-related condition. Last evaluated: 2022-05-05. Review status: no assertion criteria provided. Collection method: clinical testing. Allele origin: germline. Not counted in ClinVar's aggregate classification.
Comment: This variant is classified as likely benign based on ACMG/AMP sequence variant interpretation guidelines (Richards et al. 2015 PMID: 25741868, with internal and published modifications).

NM_138295.5(PKD1L1):c.3630C>A (p.Thr1210=)

Gene: PKD1L1 (polycystin 1 like 1, transient receptor potential channel interacting; minus strand). Cytogenetic location: 7p12.3.
Variant type: single nucleotide variant.
Coding change: c.3630C>A on transcript NM_138295.5 (MANE Select); coding-DNA position 3630, C replaced by A.
Protein change: p.Thr1210=; no amino-acid change (threonine 1210 retained).
Molecular consequence: synonymous variant.
Genome position (GRCh38, 1-based): chr7:47,877,522, G>T on the plus strand (C>A on the coding strand, the complement: PKD1L1 is on the minus strand). VCF-style: chr7-47877522-G-T. GRCh37 (hg19) VCF-style: chr7-47917120-G-T.
Other names: c.3630C>A (NM_138295.3).
Identifiers: ClinVar variation 2742454 (VCV002742454.6), dbSNP rs145960512, ClinGen allele CA4253360.